The following is an entry in ClinVar:

NM_000484.4(APP):c.2144T>C (p.Val715Ala)

Gene: APP (amyloid beta precursor protein; minus strand). Cytogenetic location: 21q21.3.
Variant type: single nucleotide variant.
Coding change: c.2144T>C on transcript NM_000484.4 (MANE Select); coding-DNA position 2144, T replaced by C.
Protein change: p.Val715Ala; replaces valine 715 with alanine.
Molecular consequence: missense variant.
Genome position (GRCh38, 1-based): chr21:25,891,789, A>G on the plus strand (T>C on the coding strand, the complement: APP is on the minus strand). VCF-style: chr21-25891789-A-G. GRCh37 (hg19) VCF-style: chr21-27264101-A-G.
Other names: c.2072T>C, p.Val691Ala (NM_001136016.3); c.1751T>C, p.Val584Ala (NM_001136129.3); c.1976T>C, p.Val659Ala (NM_001136130.3, NM_001385253.1); c.1814T>C, p.Val605Ala (NM_001136131.3); c.2090T>C, p.Val697Ala (NM_001204301.2); c.2033T>C, p.Val678Ala (NM_001204302.2); c.1865T>C, p.Val622Ala (NM_001204303.2); c.2087T>C, p.Val696Ala (NM_201413.3); and 2 more; short protein forms V715A, V622A, V659A, V678A, V697A, V584A, V605A, V691A.
Identifiers: ClinVar variation 98238 (VCV000098238.2), dbSNP rs63750868, ClinGen allele CA225507.

ClinVar aggregate classification (germline): Pathogenic. Review status: no assertion criteria provided (0 of 4 stars). 2 submissions from 2 submitters: Pathogenic (1). 1 of the submissions does not count toward it. Last evaluated 2024-04-09.

Conditions:
APP-related disorder. Also called: APP-related condition.

Submissions (2):

PreventionGenetics, part of Exact Sciences
Classification: Pathogenic for APP-related condition. Last evaluated: 2024-04-09. Review status: no assertion criteria provided. Collection method: clinical testing. Allele origin: germline.
Comment: The APP c.2144T>C variant is predicted to result in the amino acid substitution p.Val715Ala. This variant has been reported to be causative for Alzheimer disease and it was considered as a German variant (De Jonghe et al. 2001. PubMed ID: 11487570; Cruts et al. 2003. PubMed ID: 14648157; Ryan et al. 2016. PubMed ID: 27777022). Of note, a different missense variant affecting the same amino acid residue (p.Val715Met), has also been reported to be causative for Alzheimer disease (De Jonghe et al. 2001. PubMed ID: 11487570). In vitro functional study showed this variant appeared to primarily affect the γ40-cleavage and cause a decreased secretion of Aβ40 (De Jonghe et al. 2001. PubMed ID: 11487570). In another study, the author demonstrated that this variant, close to the transmembrane γ-cleavage site, lead to a drastic increase in both Aβ38/40 and Aβ42/40 ratios (Dimitrov et al. 2013. PubMed ID: 23907250). This variant has not been reported in a large population database, indicating this variant is rare. This variant is interpreted as pathogenic.

VIB  Department of Molecular Genetics, University of Antwerp
No classification provided. Review status: no classification provided. Collection method: not provided. Allele origin: not provided. Not counted in ClinVar's aggregate classification.